The following is an entry in ClinVar:

ClinVar aggregate classification (germline): Pathogenic. Review status: reviewed by expert panel (3 of 4 stars). 3 submissions from 3 submitters: Pathogenic (1). 2 of the submissions do not count toward it. Last evaluated 2026-02-04.

Conditions:
Open-angle glaucoma. Identifiers: MedGen C0017612, MONDO:0005338, HP:0012108.
Glaucoma 1, open angle, A (GLC1A). Also called: Glaucoma, Dominant (Juvenile Onset). Identifiers: Orphanet 98977, MedGen C1842028, MONDO:0007664, OMIM 137750.

Submissions (3):

ClinGen Glaucoma Variant Curation Expert Panel
Classification: Pathogenic for Open-angle glaucoma. Last evaluated: 2026-02-04. Review status: reviewed by expert panel. Criteria: ClinGen Glaucoma ACMG Specifications V2.0.0 Approved. Collection method: curation. Allele origin: germline. Inheritance: Autosomal dominant inheritance.
Comment: The c.1297T>C variant in MYOC is a missense variant predicted to cause substitution of Cysteine by Arginine at amino acid 433 (p.Cys433Arg). This variant was not found in any genetic ancestry group of gnomAD (v4.1.0), meeting the ≤ 0.0001 threshold set for PM2_Supporting in a genetic ancestry group of at least 10,000 alleles. The REVEL score = 0.913, which was within the 0.773-0.931 range for PP3_Moderate, predicting a damaging effect on MYOC function. The Cys433Arg protein had increased instability and reduced secretion levels compared to wild type myocilin protein in these studies (PMIDs: 16466712, 36267417, 21612213, 23129764). The assays met the OddsPath threshold for PS3_Moderate (> 4.3), indicating that this variant did impact protein function. 23 segregations in 4 families, with juvenile or primary open angle glaucoma (JOAG or POAG), have been reported (PMIDs: 10819638, 16936947, 12671463), which fulfilled PP1_Strong (≥ 7 meioses in > 1 family). 30 probands with JOAG or POAG have been reported carrying this variant (PMIDs: 30484747, 10819638, 16936947, 12671463), which met PS4 (≥ 15 probands). In summary, this variant met the criteria to receive a score of 13 and to be classified as pathogenic (pathogenic classification ≥ 10, adapted from PMID: 32720330) for juvenile open angle glaucoma based on the ACMG/AMP criteria met, as specified by the ClinGen Glaucoma VCEP (v2.0.0, 5 Dec 2024): PS4, PP1_Strong, PS3_Moderate, PP3_Moderate, PM2_Supporting

Dasa
Classification: Pathogenic. Last evaluated: 2025-12-29. Review status: criteria provided, single submitter. Criteria: DASA Assertion Criteria. Collection method: clinical testing. Allele origin: germline. Not counted in ClinVar's aggregate classification.
Comment: NM_000261.2(MYOC):c.1297T>C (p.Cys433Arg) is a missense variant that results in the substitution of cysteine with arginine. Functional evidence supports a deleterious effect on the gene or gene product (PMID: 16466712; PMID: 36267417; PMID: 30484747; PMID: 10819638; PMID: 16936947). This variant has been recurrently observed in individuals with related phenotype (PMID: 16466712; PMID: 36267417; PMID: 30484747; PMID: 10819638; PMID: 16936947). Segregation evidence has been reported in affected families. Multiple computational predictions support a deleterious effect on the gene or gene product. Based on the available data, this variant is classified as pathogenic.

OMIM
Classification: Pathogenic for GLAUCOMA 1, OPEN ANGLE, A. Last evaluated: 2000-04-01. Review status: no assertion criteria provided. Collection method: literature only. Allele origin: germline. Not counted in ClinVar's aggregate classification.

Literature cited by the submitters: PubMed 36267417 (cited by ClinGen Glaucoma Variant Curation Expert Panel and Dasa); PubMed 21612213 (cited by ClinGen Glaucoma Variant Curation Expert Panel); PubMed 23129764 (cited by ClinGen Glaucoma Variant Curation Expert Panel); PubMed 25524706 (cited by ClinGen Glaucoma Variant Curation Expert Panel); PubMed 16466712 (cited by Dasa); PubMed 30484747 (cited by Dasa); PubMed 10819638 (cited by Dasa and OMIM); PubMed 16936947 (cited by Dasa); PubMed 12671463 (cited by Dasa).

NM_000261.2(MYOC):c.1297T>C (p.Cys433Arg)

Gene: MYOC (myocilin; minus strand). Cytogenetic location: 1q24.3.
Variant type: single nucleotide variant.
Coding change: c.1297T>C on transcript NM_000261.2 (MANE Select); coding-DNA position 1297, T replaced by C.
Protein change: p.Cys433Arg; replaces cysteine 433 with arginine.
Molecular consequence: missense variant.
Genome position (GRCh38, 1-based): chr1:171,636,143, A>G on the plus strand (T>C on the coding strand, the complement: MYOC is on the minus strand). VCF-style: chr1-171636143-A-G. GRCh37 (hg19) VCF-style: chr1-171605283-A-G.
Other names: NM_000261.2(MYOC):c.1297T>C; short protein forms C433R.
Identifiers: ClinVar variation 7956 (VCV000007956.6), dbSNP rs74315338, ClinGen allele CA119181.